The following is an entry in ClinVar:

ClinVar aggregate classification (germline): Likely benign (0 of 4 stars; one submission).

Conditions:
THSD1-related disorder. Also called: THSD1-related condition.

Allele frequency attached by ClinVar (database versions not stated): ExAC 0.00001; gnomAD 0.00001; TOPMed 0.00002.
gnomAD v4.1: 12 of 1,614,062 alleles (0.00074%); highest among the groups gnomAD compares: Admixed American, 0.018%; no homozygotes.

Submission:

PreventionGenetics, part of Exact Sciences
Classification: Likely benign for THSD1-related condition. Last evaluated: 2021-03-29. Review status: no assertion criteria provided. Collection method: clinical testing. Allele origin: germline.
Comment: This variant is classified as likely benign based on ACMG/AMP sequence variant interpretation guidelines (Richards et al. 2015 PMID: 25741868, with internal and published modifications).

NM_018676.4(THSD1):c.2136C>T (p.Phe712=)

Gene: THSD1 (thrombospondin type 1 domain containing 1; minus strand). Cytogenetic location: 13q14.3.
Variant type: single nucleotide variant.
Coding change: c.2136C>T on transcript NM_018676.4 (MANE Select); coding-DNA position 2136, C replaced by T.
Protein change: p.Phe712=; no amino-acid change (phenylalanine 712 retained).
Molecular consequence: synonymous variant.
Genome position (GRCh38, 1-based): chr13:52,377,834, G>A on the plus strand (C>T on the coding strand, the complement: THSD1 is on the minus strand). VCF-style: chr13-52377834-G-A. GRCh37 (hg19) VCF-style: chr13-52951969-G-A.
Other names: c.1977C>T, p.Phe659= (NM_199263.3).
Identifiers: ClinVar variation 3054611 (VCV003054611.2), dbSNP rs80140239, ClinGen allele CA6991831.